The following is an entry in ClinVar:

ClinVar aggregate classification (germline): Uncertain significance (0 of 4 stars; one submission).

Conditions:
ITPR3-related disorder. Also called: ITPR3-related condition.

Submission:

PreventionGenetics, part of Exact Sciences
Classification: Uncertain significance for ITPR3-related condition. Last evaluated: 2024-07-16. Review status: no assertion criteria provided. Collection method: clinical testing. Allele origin: germline.
Comment: The ITPR3 c.360T>G variant is predicted to result in the amino acid substitution p.Ser120Arg. To our knowledge, this variant has not been reported in the literature or in a large population database, indicating this variant is rare. At this time, the clinical significance of this variant is uncertain due to the absence of conclusive functional and genetic evidence.

NM_002224.4(ITPR3):c.360T>G (p.Ser120Arg)

Gene: ITPR3 (inositol 1,4,5-trisphosphate receptor type 3; plus strand). Cytogenetic location: 6p21.31.
Variant type: single nucleotide variant.
Coding change: c.360T>G on transcript NM_002224.4 (MANE Select); coding-DNA position 360, T replaced by G.
Protein change: p.Ser120Arg; replaces serine 120 with arginine.
Molecular consequence: missense variant.
Genome position (GRCh38, 1-based): chr6:33,658,009, T>G. VCF-style: chr6-33658009-T-G. GRCh37 (hg19) VCF-style: chr6-33625786-T-G.
Other names: short protein forms S120R.
Identifiers: ClinVar variation 3354652 (VCV003354652.1).